The following is an entry in ClinVar:

NM_001673.5(ASNS):c.1411A>G (p.Ser471Gly)

Genes: ASNS (asparagine synthetase (glutamine-hydrolyzing); minus strand), CZ1P-ASNS (CZ1P-ASNS readthrough; minus strand). Cytogenetic location: 7q21.3.
Variant type: single nucleotide variant.
Coding change: c.1411A>G on transcript NM_001673.5 (MANE Select); coding-DNA position 1411, A replaced by G.
Protein change: p.Ser471Gly; replaces serine 471 with glycine.
Molecular consequence: missense variant. On other transcripts: non-coding transcript variant (1).
Genome position (GRCh38, 1-based): chr7:97,853,125, T>C on the plus strand (A>G on the coding strand, the complement: ASNS is on the minus strand). VCF-style: chr7-97853125-T-C. GRCh37 (hg19) VCF-style: chr7-97482437-T-C.
Other names: c.1348A>G, p.Ser450Gly (NM_001178075.2); c.1162A>G, p.Ser388Gly (NM_001178076.2, NM_001178077.1); c.1411A>G, p.Ser471Gly (NM_001352496.2, NM_133436.3, NM_183356.4); short protein forms S450G, S388G, S471G.
Identifiers: ClinVar variation 1480838 (VCV001480838.8), dbSNP rs1791266639, ClinGen allele CA368264568.

ClinVar aggregate classification (germline): Uncertain significance (1 of 4 stars; one submission).

Submission:

Labcorp Genetics (formerly Invitae), Labcorp
Classification: Uncertain significance. Last evaluated: 2022-11-22. Review status: criteria provided, single submitter. Criteria: Invitae Variant Classification Sherloc (09022015). Collection method: clinical testing. Allele origin: germline.
Comment: This sequence change replaces serine, which is neutral and polar, with glycine, which is neutral and non-polar, at codon 471 of the ASNS protein (p.Ser471Gly). This variant is not present in population databases (gnomAD no frequency). In summary, the available evidence is currently insufficient to determine the role of this variant in disease. Therefore, it has been classified as a Variant of Uncertain Significance. Advanced modeling of protein sequence and biophysical properties (such as structural, functional, and spatial information, amino acid conservation, physicochemical variation, residue mobility, and thermodynamic stability) performed at Invitae indicates that this missense variant is not expected to disrupt ASNS protein function. ClinVar contains an entry for this variant (Variation ID: 1480838). This variant has not been reported in the literature in individuals affected with ASNS-related conditions.